The following is an entry in ClinVar:

NM_000257.4(MYH7):c.4001A>G (p.Gln1334Arg)

Gene: MYH7 (myosin heavy chain 7; minus strand). Cytogenetic location: 14q11.2.
Variant type: single nucleotide variant.
Coding change: c.4001A>G on transcript NM_000257.4 (MANE Select); coding-DNA position 4001, A replaced by G.
Protein change: p.Gln1334Arg; replaces glutamine 1334 with arginine.
Molecular consequence: missense variant.
Genome position (GRCh38, 1-based): chr14:23,418,378, T>C on the plus strand (A>G on the coding strand, the complement: MYH7 is on the minus strand). VCF-style: chr14-23418378-T-C. GRCh37 (hg19) VCF-style: chr14-23887587-T-C.
Other names: c.4001A>G, p.Gln1334Arg (NM_001407004.1); short protein forms Q1334R.
Identifiers: ClinVar variation 4801922 (VCV004801922.1).
Genomic context (GRCh38, chr14:23,418,378, plus strand): 5'-TTGGCCTCCGTCTCCTCCTCGTACTGCTCCCGCAGCAGGTCGCAGTCATGCCGGGCCGAC[T>C]GCAGTGCGTGGGCCAGGGCGTTCTTCGCCTGGGGAGGGGTGGGCACCAGGAGGTGGGTTC-3'
Protein context (NP_000248.2, residues 1324-1344): KAKNALAHAL[Gln1334Arg]SARHDCDLLR

ClinVar aggregate classification (germline): Uncertain significance (1 of 4 stars; one submission).

Conditions:
Hypertrophic cardiomyopathy. Also called: HYPERTROPHIC MYOCARDIOPATHY. Identifiers: Orphanet 217569, MedGen C0007194, MeSH D002312, MONDO:0005045, HP:0001639.

Submission:

Labcorp Genetics (formerly Invitae), Labcorp
Classification: Uncertain significance for Hypertrophic cardiomyopathy. Last evaluated: 2025-04-11. Review status: criteria provided, single submitter. Criteria: Invitae Variant Classification Sherloc (09022015). Collection method: clinical testing. Allele origin: germline.
Comment: This sequence change replaces glutamine, which is neutral and polar, with arginine, which is basic and polar, at codon 1334 of the MYH7 protein (p.Gln1334Arg). This variant is not present in population databases (gnomAD no frequency). This variant has not been reported in the literature in individuals affected with MYH7-related conditions. Invitae Evidence Modeling of protein sequence and biophysical properties (such as structural, functional, and spatial information, amino acid conservation, physicochemical variation, residue mobility, and thermodynamic stability) has been performed for this missense variant. However, the output from this modeling did not meet the statistical confidence thresholds required to predict the impact of this variant on MYH7 protein function. In summary, the available evidence is currently insufficient to determine the role of this variant in disease. Therefore, it has been classified as a Variant of Uncertain Significance.